The following is an entry in ClinVar:

ClinVar aggregate classification (germline): Uncertain significance (1 of 4 stars; one submission).

Conditions:
LEPR-related disorder. Also called: LEPR-related condition; LEPR-related disorders.

gnomAD v4.1: 4 of 1,613,936 alleles (0.00025%); highest among the groups gnomAD compares: East Asian, 0.0022%; no homozygotes.

Submission:

PreventionGenetics, part of Exact Sciences
Classification: Uncertain significance for LEPR-related condition. Last evaluated: 2024-12-31. Review status: criteria provided, single submitter. Criteria: ACMG Guidelines, 2015. Collection method: clinical testing. Allele origin: germline.
Comment: The LEPR c.1456A>C variant is predicted to result in the amino acid substitution p.Lys486Gln. This variant was observed in a cohort of individuals with obesity, and in vitro functional studies showed function similar to wild-type levels (Supplemental Data Set, Shah et al. 2023. PubMed ID: 36864747). This variant has not been reported in a large population database (gnomAD), indicating this variant is rare. At this time, the clinical significance of this variant is uncertain due to the absence of conclusive functional and genetic evidence.

NM_002303.6(LEPR):c.1456A>C (p.Lys486Gln)

Gene: LEPR (leptin receptor; plus strand). Cytogenetic location: 1p31.3.
Variant type: single nucleotide variant.
Coding change: c.1456A>C on transcript NM_002303.6 (MANE Select); coding-DNA position 1456, A replaced by C.
Protein change: p.Lys486Gln; replaces lysine 486 with glutamine.
Molecular consequence: missense variant.
Genome position (GRCh38, 1-based): chr1:65,605,090, A>C. VCF-style: chr1-65605090-A-C. GRCh37 (hg19) VCF-style: chr1-66070773-A-C.
Other names: c.1456A>C, p.Lys486Gln (NM_001003679.3, NM_001003680.3, NM_001198687.2 and 2 more transcripts); short protein forms K486Q.
Identifiers: ClinVar variation 4983452 (VCV004983452.1).